The following is an entry in ClinVar:

ClinVar aggregate classification (germline): Pathogenic (1 of 4 stars; one submission).

Conditions:
Cardiovascular phenotype. Identifiers: MedGen CN230736.

Submission:

Ambry Genetics
Classification: Pathogenic for Cardiovascular phenotype. Last evaluated: 2017-05-24. Review status: criteria provided, single submitter. Criteria: Ambry Variant Classification Scheme 2023. Collection method: clinical testing. Allele origin: germline.
Comment: The c.1311+2T>G intronic pathogenic mutation results from a T to G substitution two nucleotides after coding exon 10 in the ENG gene. This mutation was identified in an individual meeting diagnostic criteria of hereditary hemorrhagic telangiectasia (HHT) (McDonald J et al. Clin. Genet., 2011 Apr;79:335-44). Other nucleotide substitutions at the same position were also reported in individuals with HHT (Cymerman U et al. Pediatr. Res., 2000 Jan;47:24-35; Bossler AD et al. Hum. Mutat., 2006 Jul;27:667-75). In addition to the clinical data presented in the literature, alterations that disrupt the canonical splice site are expected to cause aberrant splicing, resulting in an abnormal protein or a transcript that is subject to nonsense-mediated mRNA decay. As such, this alteration is classified as a disease-causing mutation.

Literature cited by the submitters: PubMed 10625079; PubMed 16752392; PubMed 21158752.

NM_001114753.3(ENG):c.1311+2T>G

Genes: ENG (endoglin; minus strand), LOC102723566 (uncharacterized LOC102723566; plus strand). Cytogenetic location: 9q34.11.
Variant type: single nucleotide variant.
Coding change: c.1311+2T>G on transcript NM_001114753.3 (MANE Select); the canonical splice donor site of the intron after coding-DNA position 1311, T replaced by G.
Molecular consequence: splice donor variant.
Genome position (GRCh38, 1-based): chr9:127,819,620, A>C on the plus strand (T>G on the coding strand, the complement: ENG is on the minus strand). VCF-style: chr9-127819620-A-C. GRCh37 (hg19) VCF-style: chr9-130581899-A-C.
Other names: c.1311+2T>G (NM_000118.4); c.765+2T>G (NM_001278138.2).
Identifiers: ClinVar variation 1769661 (VCV001769661.2), dbSNP rs111694746, ClinGen allele CA374977967.